The following is an entry in ClinVar:

ClinVar aggregate classification (germline): Uncertain significance. Review status: criteria provided, multiple submitters, no conflicts (2 of 4 stars). 3 submissions from 3 submitters: Uncertain significance (3). Last evaluated 2023-07-31.

Conditions:
Hereditary cancer-predisposing syndrome. Also called: Tumor predisposition; Hereditary Cancer Syndrome; Neoplastic Syndromes, Hereditary; Hereditary neoplastic syndrome. Identifiers: Orphanet 140162, MedGen C0027672, MeSH D009386, MONDO:0015356.
Intellectual disability, autosomal dominant 16 (CSS4). Also called: COFFIN-SIRIS SYNDROME 4. Identifiers: Orphanet 1465, MedGen C3553249, MONDO:0013821, OMIM 614609.
Rhabdoid tumor predisposition syndrome 2 (RTPS2). Identifiers: Orphanet 231108, Orphanet 69077, MedGen C2750074, MONDO:0013224, OMIM 613325.

Allele frequency attached by ClinVar (database versions not stated): TOPMed below 0.00001.

Submissions (3):

Labcorp Genetics (formerly Invitae), Labcorp
Classification: Uncertain significance for Rhabdoid tumor predisposition syndrome 2. Last evaluated: 2023-07-31. Review status: criteria provided, single submitter. Criteria: Invitae Variant Classification Sherloc (09022015). Collection method: clinical testing. Allele origin: germline.
Comment: This variant is not present in population databases (gnomAD no frequency). This sequence change replaces methionine, which is neutral and non-polar, with leucine, which is neutral and non-polar, at codon 289 of the SMARCA4 protein (p.Met289Leu). This variant has not been reported in the literature in individuals affected with SMARCA4-related conditions. ClinVar contains an entry for this variant (Variation ID: 822633). Advanced modeling of protein sequence and biophysical properties (such as structural, functional, and spatial information, amino acid conservation, physicochemical variation, residue mobility, and thermodynamic stability) performed at Invitae indicates that this missense variant is not expected to disrupt SMARCA4 protein function. In summary, the available evidence is currently insufficient to determine the role of this variant in disease. Therefore, it has been classified as a Variant of Uncertain Significance.

Genome-Nilou Lab
Classification: Uncertain significance for Intellectual disability, autosomal dominant 16. Last evaluated: 2021-07-15. Review status: criteria provided, single submitter. Criteria: ACMG Guidelines, 2015. Collection method: clinical testing. Allele origin: germline. Affected: no.

Ambry Genetics
Classification: Uncertain significance for Hereditary cancer-predisposing syndrome. Last evaluated: 2018-05-11. Review status: criteria provided, single submitter. Criteria: Ambry Variant Classification Scheme 2023. Collection method: clinical testing. Allele origin: germline.
Comment: The p.M289L variant (also known as c.865A>T), located in coding exon 5 of the SMARCA4 gene, results from an A to T substitution at nucleotide position 865. The methionine at codon 289 is replaced by leucine, an amino acid with highly similar properties. This amino acid position is not well conserved in available vertebrate species. In addition, the in silico prediction for this alteration is inconclusive. Since supporting evidence is limited at this time, the clinical significance of this alteration remains unclear.

NM_003072.5(SMARCA4):c.865A>T (p.Met289Leu)

Gene: SMARCA4 (SWI/SNF related BAF chromatin remodeling complex subunit ATPase 4; plus strand). Cytogenetic location: 19p13.2.
Variant type: single nucleotide variant.
Coding change: c.865A>T on transcript NM_003072.5 (MANE Select); coding-DNA position 865, A replaced by T.
Protein change: p.Met289Leu; replaces methionine 289 with leucine.
Molecular consequence: missense variant. On other transcripts: non-coding transcript variant (1).
Genome position (GRCh38, 1-based): chr19:10,987,671, A>T. VCF-style: chr19-10987671-A-T. GRCh37 (hg19) VCF-style: chr19-11098347-A-T.
Other names: c.865A>T, p.Met289Leu (NM_001128844.3, NM_001128845.2, NM_001128846.2 and 4 more transcripts); short protein forms M289L.
Identifiers: ClinVar variation 822633 (VCV000822633.15), dbSNP rs750547893, ClinGen allele CA404058296.